The following is an entry in ClinVar:

ClinVar aggregate classification (germline): Uncertain significance. Review status: criteria provided, multiple submitters, no conflicts (2 of 4 stars). 2 submissions from 2 submitters: Uncertain significance (2). Last evaluated 2026-03-30.

Conditions:
MYH6-related disorder. Also called: MYH6-Related Disorders; MYH6-related condition.
Hypertrophic cardiomyopathy 14. Identifiers: MedGen C2750467, MONDO:0013197, OMIM 613251.

Allele frequency attached by ClinVar (database versions not stated): gnomAD exomes 0.00002; TOPMed 0.00002; ExAC 0.00003; gnomAD 0.00003.
gnomAD v4.1: 23 of 1,587,200 alleles (0.0014%); highest among the groups gnomAD compares: East Asian, 0.0023%; no homozygotes.

Submissions (2):

PreventionGenetics, part of Exact Sciences
Classification: Uncertain significance for MYH6-related condition. Last evaluated: 2026-03-30. Review status: criteria provided, single submitter. Criteria: ACMG Guidelines, 2015. Collection method: clinical testing. Allele origin: germline.
Comment: The MYH6 c.3529C>T variant is predicted to result in the amino acid substitution p.Arg1177Trp. This variant was reported in an individual with dilated cardiomyopathy (Hershberger et al. 2010. PubMed ID: 20215591). An alternate missense change at this amino acid (p.Arg1177Leu) has been reported in a fetus with congenital heart defects (Li et al. 2020. PubMed ID: 32410215). The p.Arg1177Trp variant is reported in 0.0069% of alleles in individuals of South Asian descent in gnomAD. At this time, the clinical significance of this variant is uncertain due to the absence of conclusive functional and genetic evidence.

Labcorp Genetics (formerly Invitae), Labcorp
Classification: Uncertain significance for Hypertrophic cardiomyopathy 14. Last evaluated: 2025-08-10. Review status: criteria provided, single submitter. Criteria: Invitae Variant Classification Sherloc (09022015). Collection method: clinical testing. Allele origin: germline.
Comment: This sequence change replaces arginine, which is basic and polar, with tryptophan, which is neutral and slightly polar, at codon 1177 of the MYH6 protein (p.Arg1177Trp). This variant is present in population databases (rs747978305, gnomAD 0.007%). This missense change has been observed in individuals with familial dilated cardiomyopathy (PMID: 20215591). ClinVar contains an entry for this variant (Variation ID: 537941). Invitae Evidence Modeling of protein sequence and biophysical properties (such as structural, functional, and spatial information, amino acid conservation, physicochemical variation, residue mobility, and thermodynamic stability) indicates that this missense variant is expected to disrupt MYH6 protein function with a positive predictive value of 80%. In summary, the available evidence is currently insufficient to determine the role of this variant in disease. Therefore, it has been classified as a Variant of Uncertain Significance.

Literature cited by the submitters: PubMed 20215591 (cited by Labcorp Genetics (formerly Invitae), Labcorp).

NM_002471.4(MYH6):c.3529C>T (p.Arg1177Trp)

Gene: MYH6 (myosin heavy chain 6; minus strand). Cytogenetic location: 14q11.2.
Variant type: single nucleotide variant.
Coding change: c.3529C>T on transcript NM_002471.4 (MANE Select); coding-DNA position 3529, C replaced by T.
Protein change: p.Arg1177Trp; replaces arginine 1177 with tryptophan.
Molecular consequence: missense variant.
Genome position (GRCh38, 1-based): chr14:23,390,260, G>A on the plus strand (C>T on the coding strand, the complement: MYH6 is on the minus strand). VCF-style: chr14-23390260-G-A. GRCh37 (hg19) VCF-style: chr14-23859469-G-A.
Other names: short protein forms R1177W.
Identifiers: ClinVar variation 537941 (VCV000537941.11), dbSNP rs747978305, ClinGen allele CA7115154.